The following is an entry in ClinVar:

ClinVar aggregate classification (germline): Benign/Likely benign. Review status: criteria provided, multiple submitters, no conflicts (2 of 4 stars). 4 submissions from 4 submitters: Benign (3); Likely benign (1). Last evaluated 2026-09-01.

Conditions:
Hyperuricemia, pulmonary hypertension, renal failure, alkalosis syndrome (HUPRAS). Also called: HYPERURICEMIA, PULMONARY HYPERTENSION, RENAL FAILURE, AND ALKALOSIS SYNDROME; HUPRA SYNDROME. Identifiers: Orphanet 363694, MedGen C3151209, MONDO:0013458, OMIM 613845.

Allele frequency attached by ClinVar (database versions not stated): 1000 Genomes Project 30x 0.00250; 1000 Genomes Project 0.00280; gnomAD exomes 0.00892 and 0.01198; gnomAD 0.00893 and 0.00927; ExAC 0.00937; TOPMed 0.00940; ESP Exome Variant Server 0.01276.
gnomAD v4.1: 18,726 of 1,604,458 alleles (1.2%); highest among the groups gnomAD compares: Non-Finnish European, 1.4%; 158 homozygotes.

Submissions (4):

CeGaT Center for Human Genetics Tuebingen
Classification: Benign. Last evaluated: 2026-09-01. Review status: criteria provided, single submitter. Criteria: CeGaT Center For Human Genetics Tuebingen Variant Classification Criteria Version 2. Collection method: clinical testing. Allele origin: germline. Affected: yes. Observed: 12 variant alleles.
Comment: SARS1: PP2, BS1, BS2

Fulgent Genetics
Classification: Likely benign for Hyperuricemia, pulmonary hypertension, renal failure, alkalosis syndrome. Last evaluated: 2021-09-27. Review status: criteria provided, single submitter. Criteria: ACMG Guidelines, 2015. Collection method: clinical testing. Allele origin: unknown.

Labcorp Genetics (formerly Invitae), Labcorp
Classification: Benign. Last evaluated: 2019-12-31. Review status: criteria provided, single submitter. Criteria: Invitae Variant Classification Sherloc (09022015). Collection method: clinical testing. Allele origin: germline.

Breakthrough Genomics
Classification: Benign. Review status: criteria provided, single submitter. Criteria: ACMG Guidelines, 2015. Collection method: not provided. Allele origin: germline. Inheritance: Autosomal recessive inheritance. Affected: yes.

NM_006513.4(SARS1):c.1160G>A (p.Gly387Glu)

Gene: SARS1 (seryl-tRNA synthetase 1; plus strand). Cytogenetic location: 1p13.3.
Variant type: single nucleotide variant.
Coding change: c.1160G>A on transcript NM_006513.4 (MANE Select); coding-DNA position 1160, G replaced by A.
Protein change: p.Gly387Glu; replaces glycine 387 with glutamic acid.
Molecular consequence: missense variant.
Genome position (GRCh38, 1-based): chr1:109,236,451, G>A. VCF-style: chr1-109236451-G-A. GRCh37 (hg19) VCF-style: chr1-109779073-G-A.
Other names: c.1160G>A, p.Gly387Glu (NM_001330669.1); short protein forms G387E.
Identifiers: ClinVar variation 774395 (VCV000774395.28), dbSNP rs140717526, ClinGen allele CA986163.